The following is an entry in ClinVar:

ClinVar aggregate classification (germline): Uncertain significance (1 of 4 stars; one submission).

Submission:

CeGaT Center for Human Genetics Tuebingen
Classification: Uncertain significance. Last evaluated: 2025-07-01. Review status: criteria provided, single submitter. Criteria: CeGaT Center For Human Genetics Tuebingen Variant Classification Criteria Version 2. Collection method: clinical testing. Allele origin: germline. Affected: yes. Observed: 1 variant allele.
Comment: CFP: PM2

NM_001145252.3(CFP):c.604T>C (p.Trp202Arg)

Gene: CFP (complement factor properdin; minus strand). Cytogenetic location: Xp11.23.
Variant type: single nucleotide variant.
Coding change: c.604T>C on transcript NM_001145252.3 (MANE Select); coding-DNA position 604, T replaced by C.
Protein change: p.Trp202Arg; replaces tryptophan 202 with arginine.
Molecular consequence: missense variant.
Genome position (GRCh38, 1-based): chrX:47,627,303, A>G on the plus strand (T>C on the coding strand, the complement: CFP is on the minus strand). VCF-style: chrX-47627303-A-G. GRCh37 (hg19) VCF-style: chrX-47486702-A-G.
Other names: c.604T>C, p.Trp202Arg (NM_002621.2); short protein forms W202R.
Identifiers: ClinVar variation 4085365 (VCV004085365.8).